The following is an entry in ClinVar:

ClinVar aggregate classification (germline): Uncertain significance (1 of 4 stars; one submission).

Conditions:
Spastic paraplegia. Identifiers: MedGen C0037772, HP:0001258.

gnomAD v4.1: 5 of 1,608,500 alleles (0.00031%); highest among the groups gnomAD compares: African/African-American, 0.0013%; no homozygotes.

Submission:

Labcorp Genetics (formerly Invitae), Labcorp
Classification: Uncertain significance for Spastic paraplegia. Last evaluated: 2025-12-03. Review status: criteria provided, single submitter. Criteria: Invitae Variant Classification Sherloc (09022015). Collection method: clinical testing. Allele origin: germline.
Comment: This sequence change falls in intron 26 of the KIF5A gene. It does not directly change the encoded amino acid sequence of the KIF5A protein. This variant is present in population databases (no rsID available, gnomAD 0.0009%). This variant has not been reported in the literature in individuals affected with KIF5A-related conditions. ClinVar contains an entry for this variant (Variation ID: 1472012). Algorithms developed to predict the effect of sequence changes on RNA splicing suggest that this variant may disrupt the consensus splice site. In summary, the available evidence is currently insufficient to determine the role of this variant in disease. Therefore, it has been classified as a Variant of Uncertain Significance.

NM_004984.4(KIF5A):c.2993-16A>G

Gene: KIF5A (kinesin family member 5A; plus strand). Cytogenetic location: 12q13.3.
Variant type: single nucleotide variant.
Coding change: c.2993-16A>G on transcript NM_004984.4 (MANE Select); 16 bases into the intron before coding-DNA position 2993, A replaced by G.
Molecular consequence: intron variant.
Genome position (GRCh38, 1-based): chr12:57,582,586, A>G. VCF-style: chr12-57582586-A-G. GRCh37 (hg19) VCF-style: chr12-57976369-A-G.
Other names: c.2726-16A>G (NM_001354705.2).
Identifiers: ClinVar variation 1472012 (VCV001472012.8), dbSNP rs1172104617, ClinGen allele CA605315753.